The following is an entry in ClinVar:

ClinVar aggregate classification (germline): Conflicting classifications of pathogenicity. Review status: criteria provided, conflicting classifications (1 of 4 stars). 2 submissions from 2 submitters: Uncertain significance (1); Likely benign (1). Last evaluated 2026-08-11.

Conditions:
Cardiovascular phenotype. Identifiers: MedGen CN230736.

gnomAD v4.1: 2 of 1,598,618 alleles (0.00013%); highest among the groups gnomAD compares: African/African-American, 0.0027%; no homozygotes.

Submissions (2):

Ambry Genetics
Classification: Uncertain significance for Cardiovascular phenotype. Last evaluated: 2026-08-11. Review status: criteria provided, single submitter. Criteria: Ambry Variant Classification Scheme 2023. Collection method: clinical testing. Allele origin: germline.
Comment: The c.6441-3T>C intronic variant results from a T to C substitution 3 nucleotides upstream from coding exon 42 in the RYR2 gene. This nucleotide position is not well conserved in available vertebrate species. In silico splice site analysis predicts that this alteration will not have any significant effect on splicing. Based on the available evidence, the clinical significance of this variant remains unclear.

Mayo Clinic Laboratories, Mayo Clinic
Classification: Likely benign. Last evaluated: 2025-10-10. Review status: criteria provided, single submitter. Criteria: ACMG Guidelines, 2015. Collection method: clinical testing. Allele origin: germline. Observed: 1 variant allele.
Comment: BP4, BP7, PM2_supporting

NM_001035.3(RYR2):c.6441-3T>C

Gene: RYR2 (ryanodine receptor 2; plus strand). Cytogenetic location: 1q43.
Variant type: single nucleotide variant.
Coding change: c.6441-3T>C on transcript NM_001035.3 (MANE Select); 3 bases into the intron before coding-DNA position 6441, T replaced by C.
Molecular consequence: intron variant.
Genome position (GRCh38, 1-based): chr1:237,631,424, T>C. VCF-style: chr1-237631424-T-C. GRCh37 (hg19) VCF-style: chr1-237794724-T-C.
Other names: p.?; c.6441-3T>C (NM_001035.2).
Identifiers: ClinVar variation 4684395 (VCV004684395.2).
Genomic context (GRCh38, chr1:237,631,424, plus strand): 5'-AACTTGGTTAACTATTTAGATGTTGCTCTGAGCTTTACCCCATACGTCCATTGTCCTTTC[T>C]AGGGATATTATGAATAACAAAGTGTTTTACCAGCACCCTAATCTCATGAGGGCACTGGGG-3'